The following is an entry in ClinVar:

NM_015909.4(NBAS):c.5390-8T>C

Gene: NBAS (NBAS subunit of NRZ tethering complex; minus strand). Cytogenetic location: 2p24.3.
Variant type: single nucleotide variant.
Coding change: c.5390-8T>C on transcript NM_015909.4 (MANE Select); 8 bases into the intron before coding-DNA position 5390, T replaced by C.
Molecular consequence: intron variant.
Genome position (GRCh38, 1-based): chr2:15,275,826, A>G on the plus strand (T>C on the coding strand, the complement: NBAS is on the minus strand). VCF-style: chr2-15275826-A-G. GRCh37 (hg19) VCF-style: chr2-15415950-A-G.
Other names: c.5390-8T>C (NM_015909.3).
Identifiers: ClinVar variation 1595131 (VCV001595131.10), dbSNP rs78089868, ClinGen allele CA1535302.

ClinVar aggregate classification (germline): Likely benign. Review status: criteria provided, single submitter (1 of 4 stars). 2 submissions from 2 submitters: Likely benign (1). 1 of the submissions does not count toward it. Last evaluated 2026-01-08.

Conditions:
NBAS-related disorder. Also called: NBAS-related condition.

Allele frequency attached by ClinVar (database versions not stated): ExAC 0.00001; gnomAD 0.00001; gnomAD exomes 0.00001 and 0.00002; TOPMed 0.00002.
gnomAD v4.1: 14 of 1,599,942 alleles (0.00088%); highest among the groups gnomAD compares: Admixed American, 0.012%; no homozygotes.

Submissions (2):

Labcorp Genetics (formerly Invitae), Labcorp
Classification: Likely benign. Last evaluated: 2026-01-08. Review status: criteria provided, single submitter. Criteria: Invitae Variant Classification Sherloc (09022015). Collection method: clinical testing. Allele origin: germline.

PreventionGenetics, part of Exact Sciences
Classification: Likely benign for NBAS-related condition. Last evaluated: 2020-12-08. Review status: no assertion criteria provided. Collection method: clinical testing. Allele origin: germline. Not counted in ClinVar's aggregate classification.
Comment: This variant is classified as likely benign based on ACMG/AMP sequence variant interpretation guidelines (Richards et al. 2015 PMID: 25741868, with internal and published modifications).